The following is an entry in ClinVar:

NM_003823.4(TNFRSF6B):c.412G>A (p.Val138Met)

Genes: RTEL1-TNFRSF6B (RTEL1-TNFRSF6B readthrough (NMD candidate); plus strand), TNFRSF6B (TNF receptor superfamily member 6b; plus strand). Cytogenetic location: 20q13.33.
Variant type: single nucleotide variant.
Coding change: c.412G>A on transcript NM_003823.4 (MANE Select); coding-DNA position 412, G replaced by A.
Protein change: p.Val138Met; replaces valine 138 with methionine.
Molecular consequence: missense variant. On other transcripts: non-coding transcript variant (1).
Genome position (GRCh38, 1-based): chr20:63,697,179, G>A. VCF-style: chr20-63697179-G-A. GRCh37 (hg19) VCF-style: chr20-62328532-G-A.
Other names: short protein forms V138M.
Identifiers: ClinVar variation 2140569 (VCV002140569.4), dbSNP rs1420100736, ClinGen allele CA409711386.
Genomic context (GRCh38, chr20:63,697,179, plus strand): 5'-GGCTTCTTCGCGCACGCTGGTTTCTGCTTGGAGCACGCATCGTGTCCACCTGGTGCCGGC[G>A]TGATTGCCCCGGGTGAGAGCTGGGCGAGGGGAGGGGCCCCCAGGAGTGGTGGCCGGAGGT-3'
Protein context (NP_003814.1, residues 128-148): EHASCPPGAG[Val138Met]IAPGTPSQNT

ClinVar aggregate classification (germline): Uncertain significance (1 of 4 stars; one submission).

Allele frequency attached by ClinVar (database versions not stated): TOPMed 0.00001; gnomAD exomes 0.00002.
gnomAD v4.1: 25 of 1,562,270 alleles (0.0016%); highest among the groups gnomAD compares: Middle Eastern, 0.017%; no homozygotes.

Submission:

Labcorp Genetics (formerly Invitae), Labcorp
Classification: Uncertain significance. Last evaluated: 2025-01-06. Review status: criteria provided, single submitter. Criteria: Invitae Variant Classification Sherloc (09022015). Collection method: clinical testing. Allele origin: germline.
Comment: This sequence change replaces valine, which is neutral and non-polar, with methionine, which is neutral and non-polar, at codon 138 of the TNFRSF6B protein (p.Val138Met). The frequency data for this variant in the population databases is considered unreliable, as metrics indicate poor data quality at this position in the gnomAD database. This variant has not been reported in the literature in individuals affected with TNFRSF6B-related conditions. ClinVar contains an entry for this variant (Variation ID: 2140569). An algorithm developed to predict the effect of missense changes on protein structure and function outputs the following: PolyPhen-2: "Probably Damaging". The methionine amino acid residue is found in multiple mammalian species, which suggests that this missense change does not adversely affect protein function. In summary, the available evidence is currently insufficient to determine the role of this variant in disease. Therefore, it has been classified as a Variant of Uncertain Significance.